The following is an entry in ClinVar:

NM_001372044.2(SHANK3):c.1144G>T (p.Ala382Ser)

Gene: SHANK3 (SH3 and multiple ankyrin repeat domains 3; plus strand). Cytogenetic location: 22q13.33.
Variant type: single nucleotide variant.
Coding change: c.1144G>T on transcript NM_001372044.2 (MANE Select); coding-DNA position 1144, G replaced by T.
Protein change: p.Ala382Ser; replaces alanine 382 with serine.
Molecular consequence: missense variant.
Genome position (GRCh38, 1-based): chr22:50,683,373, G>T. VCF-style: chr22-50683373-G-T. GRCh37 (hg19) VCF-style: chr22-51121801-G-T.
Other names: c.919G>T (NM_033517.1); short protein forms A382S.
Identifiers: ClinVar variation 873488 (VCV000873488.4), dbSNP rs1234645097, ClinGen allele CA515250090.

ClinVar aggregate classification (germline): Uncertain significance (1 of 4 stars; one submission).

Conditions:
Phelan-McDermid syndrome. Also called: 22q13.3 deletion syndrome; TELOMERIC 22q13 MONOSOMY SYNDROME; Phelan-McDermid Syndrome-SHANK3 Related. Identifiers: Orphanet 48652, MedGen C1853490, MONDO:0011652, OMIM 606232.

Allele frequency attached by ClinVar (database versions not stated): gnomAD 0.00001; TOPMed 0.00001.

Submission:

Illumina Laboratory Services, Illumina
Classification: Uncertain significance for Phelan-McDermid syndrome. Last evaluated: 2020-02-17. Review status: criteria provided, single submitter. Criteria: ICSLVariantClassificationCriteria RUGD 01 April 2020. Collection method: clinical testing. Allele origin: unknown.
Comment: The SHANK3 c.919G>T (p.Ala307Ser) variant is a missense variant. A literature search was performed for the gene, cDNA change, and amino acid change. No publications were found based on this search. The p.Ala307Ser variant is not found in the Genome Aggregation Database in a region of good sequence coverage, so the variant is presumed to be rare. Based on the limited evidence, the p.Ala307Ser variant is classified as a variant of unknown significance for Phelan-McDermid syndrome.